The following is an entry in ClinVar:

ClinVar aggregate classification (germline): Uncertain significance (1 of 4 stars; one submission).

Submission:

GeneDx
Classification: Uncertain significance. Last evaluated: 2024-03-23. Review status: criteria provided, single submitter. Criteria: GeneDx Variant Classification Process June 2021. Collection method: clinical testing. Allele origin: germline. Affected: yes.
Comment: Not observed at significant frequency in large population cohorts (gnomAD); In silico analysis supports that this missense variant does not alter protein structure/function; Has not been previously published as pathogenic or benign to our knowledge

NM_177550.5(SLC13A5):c.348G>C (p.Trp116Cys)

Gene: SLC13A5 (solute carrier family 13 member 5; minus strand). Cytogenetic location: 17p13.1.
Variant type: single nucleotide variant.
Coding change: c.348G>C on transcript NM_177550.5 (MANE Select); coding-DNA position 348, G replaced by C.
Protein change: p.Trp116Cys; replaces tryptophan 116 with cysteine.
Molecular consequence: missense variant.
Genome position (GRCh38, 1-based): chr17:6,706,662, C>G on the plus strand (G>C on the coding strand, the complement: SLC13A5 is on the minus strand). VCF-style: chr17-6706662-C-G. GRCh37 (hg19) VCF-style: chr17-6609981-C-G.
Other names: c.348G>C, p.Trp116Cys (NM_001143838.3, NM_001284509.2); c.219G>C, p.Trp73Cys (NM_001284510.2); short protein forms W116C, W73C.
Identifiers: ClinVar variation 3371192 (VCV003371192.1).
Genomic context (GRCh38, chr17:6,706,662, plus strand): 5'-CATGCAGAGCCACGTGGCAAGAGAGAGAAGGCGTAATTACCGTGCAGGCTTGGCCCCCAC[C>G]CAGAGGAGCGTGCGCAGGGCGATCCTCTTGTGCAGGTTCCAGCGCTCCACAGCCACGGCC-3'
Protein context (NP_808218.1, residues 106-126): HKRIALRTLL[Trp116Cys]VGAKPARLML